The following is an entry in ClinVar:

ClinVar aggregate classification (germline): Likely pathogenic (0 of 4 stars; one submission).

Conditions:
PAX2-Related Disorder. Also called: PAX2-related disorders. Identifiers: MedGen CN381309.

Submission:

PreventionGenetics, part of Exact Sciences
Classification: Likely pathogenic for PAX2-related condition. Last evaluated: 2023-12-08. Review status: no assertion criteria provided. Collection method: clinical testing. Allele origin: germline.
Comment: The PAX2 c.182G>T variant is predicted to result in the amino acid substitution p.Ser61Ile. This variant has been reported in an individual with papillorenal syndrome (Table S1, Bower et al 2012. PubMed ID: 22213154). Variants affecting the same amino acid, p.Ser61Asn and p.Ser61Arg, have also been reported in multiple individuals with papillorenal syndrome or congenital anomalies of the kidney and urinary tract, respectively (Table S1, Bower et al 2012. PubMed ID: 22213154; Table 3, Heidet. 2017. PubMed ID: 28566479). This variant has not been reported in a large population database, indicating this variant is rare. This variant is interpreted as likely pathogenic.

NM_000278.5(PAX2):c.182G>T (p.Ser61Ile)

Gene: PAX2 (paired box 2; plus strand). Cytogenetic location: 10q24.31.
Variant type: single nucleotide variant.
Coding change: c.182G>T on transcript NM_000278.5 (MANE Select); coding-DNA position 182, G replaced by T.
Protein change: p.Ser61Ile; replaces serine 61 with isoleucine.
Molecular consequence: missense variant.
Genome position (GRCh38, 1-based): chr10:100,749,884, G>T. VCF-style: chr10-100749884-G-T. GRCh37 (hg19) VCF-style: chr10-102509641-G-T.
Other names: c.275G>T, p.Ser92Ile (NM_001304569.2); c.182G>T, p.Ser61Ile (NM_003987.5, NM_003988.5, NM_003989.5 and 1 more transcripts); short protein forms S61I, S92I.
Identifiers: ClinVar variation 2631749 (VCV002631749.3), dbSNP rs2133833987, ClinGen allele CA378257698.